The following is an entry in ClinVar:

NM_000081.4(LYST):c.2413G>T (p.Glu805Ter)

Gene: LYST (lysosomal trafficking regulator; minus strand). Cytogenetic location: 1q42.3.
Variant type: single nucleotide variant.
Coding change: c.2413G>T on transcript NM_000081.4 (MANE Select); coding-DNA position 2413, G replaced by T.
Protein change: p.Glu805Ter; replaces glutamic acid 805 with a stop codon.
Molecular consequence: nonsense.
Genome position (GRCh38, 1-based): chr1:235,806,723, C>A on the plus strand (G>T on the coding strand, the complement: LYST is on the minus strand). VCF-style: chr1-235806723-C-A. GRCh37 (hg19) VCF-style: chr1-235970023-C-A.
Other names: c.2413G>T, p.Glu805Ter (NM_001301365.1); short protein forms E805*.
Identifiers: ClinVar variation 571664 (VCV000571664.7), dbSNP rs762160809, ClinGen allele CA344957843.

ClinVar aggregate classification (germline): Pathogenic/Likely pathogenic. Review status: criteria provided, multiple submitters, no conflicts (2 of 4 stars). 2 submissions from 2 submitters: Pathogenic (1); Likely pathogenic (1). Last evaluated 2024-02-12.

Conditions:
Chédiak-Higashi syndrome (CHS). Also called: Chediak-Higashi Syndrome. Identifiers: Orphanet 167, MedGen C0007965, MONDO:0008963, OMIM 214500.

Submissions (2):

Baylor Genetics
Classification: Likely pathogenic for Chédiak-Higashi syndrome. Last evaluated: 2024-02-12. Review status: criteria provided, single submitter. Criteria: ACMG Guidelines, 2015. Collection method: clinical testing. Allele origin: unknown.

Labcorp Genetics (formerly Invitae), Labcorp
Classification: Pathogenic for Chédiak-Higashi syndrome. Last evaluated: 2018-01-24. Review status: criteria provided, single submitter. Criteria: Invitae Variant Classification Sherloc (09022015). Collection method: clinical testing. Allele origin: germline.
Comment: For these reasons, this variant has been classified as Pathogenic. Loss-of-function variants in LYST are known to be pathogenic (PMID: 9215679, 11857544). This variant has not been reported in the literature in individuals with LYST-related disease. This variant is not present in population databases (ExAC no frequency). This sequence change creates a premature translational stop signal (p.Glu805*) in the LYST gene. It is expected to result in an absent or disrupted protein product.

Literature cited by the submitters: PubMed 9215679 (cited by Labcorp Genetics (formerly Invitae), Labcorp); PubMed 11857544 (cited by Labcorp Genetics (formerly Invitae), Labcorp).